The following is an entry in ClinVar:

NM_018089.3(ANKZF1):c.1972-2A>C

Gene: ANKZF1 (ankyrin repeat and zinc finger peptidyl tRNA hydrolase 1; plus strand). Cytogenetic location: 2q35.
Variant type: single nucleotide variant.
Coding change: c.1972-2A>C on transcript NM_018089.3 (MANE Select); the canonical splice acceptor site of the intron before coding-DNA position 1972, A replaced by C.
Molecular consequence: splice acceptor variant.
Genome position (GRCh38, 1-based): chr2:219,236,008, A>C. VCF-style: chr2-219236008-A-C. GRCh37 (hg19) VCF-style: chr2-220100730-A-C.
Other names: c.1972-2A>C (NM_001042410.2); c.1342-2A>C (NM_001282792.2).
Identifiers: ClinVar variation 2987328 (VCV002987328.3), dbSNP rs1951213030, ClinGen allele CA350688446.

ClinVar aggregate classification (germline): Uncertain significance (1 of 4 stars; one submission).

Allele frequency attached by ClinVar (database versions not stated): gnomAD 0.00001; TOPMed 0.00002.
gnomAD v4.1: 2 of 1,614,070 alleles (0.00012%); highest among the groups gnomAD compares: Admixed American, 0.0017%; no homozygotes.

Submission:

Labcorp Genetics (formerly Invitae), Labcorp
Classification: Uncertain significance. Last evaluated: 2025-05-22. Review status: criteria provided, single submitter. Criteria: Invitae Variant Classification Sherloc (09022015). Collection method: clinical testing. Allele origin: germline.
Comment: This sequence change affects an acceptor splice site in intron 12 of the ANKZF1 gene. It is expected to disrupt RNA splicing. Variants that disrupt the donor or acceptor splice site typically lead to a loss of protein function (PMID: 16199547), however the current clinical and genetic evidence is not sufficient to establish whether loss-of-function variants in ANKZF1 cause disease. This variant is not present in population databases (gnomAD no frequency). This variant has not been reported in the literature in individuals affected with ANKZF1-related conditions. ClinVar contains an entry for this variant (Variation ID: 2987328). Algorithms developed to predict the effect of sequence changes on RNA splicing suggest that this variant may disrupt the consensus splice site. In summary, the available evidence is currently insufficient to determine the role of this variant in disease. Therefore, it has been classified as a Variant of Uncertain Significance.

Literature cited by the submitters: PubMed 16199547.